The following is an entry in ClinVar:

NM_007348.4(ATF6):c.1275G>T (p.Glu425Asp)

Gene: ATF6 (activating transcription factor 6; plus strand). Cytogenetic location: 1q23.3.
Variant type: single nucleotide variant.
Coding change: c.1275G>T on transcript NM_007348.4 (MANE Select); coding-DNA position 1275, G replaced by T.
Protein change: p.Glu425Asp; replaces glutamic acid 425 with aspartic acid.
Molecular consequence: missense variant.
Genome position (GRCh38, 1-based): chr1:161,846,536, G>T. VCF-style: chr1-161846536-G-T. GRCh37 (hg19) VCF-style: chr1-161816326-G-T.
Other names: c.1275G>T (NM_007348.3); short protein forms E425D.
Identifiers: ClinVar variation 1450675 (VCV001450675.6), dbSNP rs201554630, ClinGen allele CA1214418.
Genomic context (GRCh38, chr1:161,846,536, plus strand): 5'-GAACCCTAGTGTGAGCCCTGCAAATCAAAGGAGGCACCTTCTAGGATTTTCTGCTAAAGA[G>T]GCACAGGACACATCAGATGGTATTATCCAGAAAAACAGCTACAGGTAAGATGGCATGCAT-3'
Protein context (NP_031374.2, residues 415-435): RRHLLGFSAK[Glu425Asp]AQDTSDGIIQ

ClinVar aggregate classification (germline): Uncertain significance. Review status: criteria provided, multiple submitters, no conflicts (2 of 4 stars). 2 submissions from 2 submitters: Uncertain significance (2). Last evaluated 2024-05-21.

Conditions:
Inborn genetic diseases. Identifiers: MedGen C0950123, MeSH D030342.

gnomAD v4.1: 90 of 1,611,452 alleles (0.0056%); highest among the groups gnomAD compares: Non-Finnish European, 0.0075%; 1 homozygote.

Submissions (2):

Ambry Genetics
Classification: Uncertain significance for Inborn genetic diseases. Last evaluated: 2024-05-21. Review status: criteria provided, single submitter. Criteria: Ambry Variant Classification Scheme 2023. Collection method: clinical testing. Allele origin: germline.

Labcorp Genetics (formerly Invitae), Labcorp
Classification: Uncertain significance. Last evaluated: 2022-09-06. Review status: criteria provided, single submitter. Criteria: Invitae Variant Classification Sherloc (09022015). Collection method: clinical testing. Allele origin: germline.
Comment: This sequence change replaces glutamic acid, which is acidic and polar, with aspartic acid, which is acidic and polar, at codon 425 of the ATF6 protein (p.Glu425Asp). This variant is present in population databases (rs201554630, gnomAD 0.004%). This variant has not been reported in the literature in individuals affected with ATF6-related conditions. ClinVar contains an entry for this variant (Variation ID: 1450675). Algorithms developed to predict the effect of missense changes on protein structure and function (SIFT, PolyPhen-2, Align-GVGD) all suggest that this variant is likely to be tolerated. In summary, the available evidence is currently insufficient to determine the role of this variant in disease. Therefore, it has been classified as a Variant of Uncertain Significance.